The following is an entry in ClinVar:

ClinVar aggregate classification (germline): Uncertain significance (1 of 4 stars; one submission).

Conditions:
Early-infantile DEE. Also called: Early infantile epileptic encephalopathy; Ohtahara syndrome; Early infantile epileptic encephalopathy with suppression bursts. Identifiers: Orphanet 1934, MedGen C0393706, MONDO:0800491.

Submission:

Labcorp Genetics (formerly Invitae), Labcorp
Classification: Uncertain significance for Early-infantile DEE. Last evaluated: 2022-06-04. Review status: criteria provided, single submitter. Criteria: Invitae Variant Classification Sherloc (09022015). Collection method: clinical testing. Allele origin: germline.
Comment: This variant is not present in population databases (gnomAD no frequency). This sequence change replaces asparagine, which is neutral and polar, with aspartic acid, which is acidic and polar, at codon 996 of the SCN8A protein (p.Asn996Asp). This variant has not been reported in the literature in individuals affected with SCN8A-related conditions. Algorithms developed to predict the effect of missense changes on protein structure and function are either unavailable or do not agree on the potential impact of this missense change (SIFT: "Deleterious"; PolyPhen-2: "Probably Damaging"; Align-GVGD: "Class C0"). In summary, the available evidence is currently insufficient to determine the role of this variant in disease. Therefore, it has been classified as a Variant of Uncertain Significance.

NM_001330260.2(SCN8A):c.2986A>G (p.Asn996Asp)

Gene: SCN8A (sodium voltage-gated channel alpha subunit 8; plus strand). Cytogenetic location: 12q13.13.
Variant type: single nucleotide variant.
Coding change: c.2986A>G on transcript NM_001330260.2 (MANE Select); coding-DNA position 2986, A replaced by G.
Protein change: p.Asn996Asp; replaces asparagine 996 with aspartic acid.
Molecular consequence: missense variant.
Genome position (GRCh38, 1-based): chr12:51,768,949, A>G. VCF-style: chr12-51768949-A-G. GRCh37 (hg19) VCF-style: chr12-52162733-A-G.
Other names: c.2986A>G, p.Asn996Asp (NM_001177984.3, NM_001369788.1, NM_014191.4); short protein forms N996D.
Identifiers: ClinVar variation 2057537 (VCV002057537.4), dbSNP rs2540265739, ClinGen allele CA384892048.
Genomic context (GRCh38, chr12:51,768,949, plus strand): 5'-CTCCTGAGCTCCTTCAGTGCAGACAACCTGGCTGCCACAGATGACGATGGGGAAATGAAC[A>G]ACCTCCAGATCTCAGTGATCCGTATCAAGAAGGGTGTGGCCTGGACCAAACTAAAGGTGC-3'
Protein context (NP_001317189.1, residues 986-1006): AATDDDGEMN[Asn996Asp]LQISVIRIKK